The following is an entry in ClinVar:

ClinVar aggregate classification (germline): Uncertain significance (1 of 4 stars; one submission).

Submission:

GeneDx
Classification: Uncertain significance. Last evaluated: 2024-09-27. Review status: criteria provided, single submitter. Criteria: GeneDx Variant Classification Process June 2021. Collection method: clinical testing. Allele origin: germline. Affected: yes.
Comment: In silico analysis supports a deleterious effect on splicing; Has not been previously published as pathogenic or benign to our knowledge

NM_001470.4(GABBR1):c.-1+2T>C

Gene: GABBR1 (gamma-aminobutyric acid type B receptor subunit 1; minus strand). Cytogenetic location: 6p22.1.
Variant type: single nucleotide variant.
Coding change: c.-1+2T>C on transcript NM_001470.4 (MANE Select); the canonical splice donor site of the intron after 1 bases upstream of the start codon, T replaced by C.
Molecular consequence: splice donor variant.
Genome position (GRCh38, 1-based): chr6:29,632,848, A>G on the plus strand (T>C on the coding strand, the complement: GABBR1 is on the minus strand). VCF-style: chr6-29632848-A-G. GRCh37 (hg19) VCF-style: chr6-29600625-A-G.
Other names: c.-1+2T>C (NM_021904.4); c.-468+2T>C (NM_001319053.2).
Identifiers: ClinVar variation 3774662 (VCV003774662.1).
Genomic context (GRCh38, chr6:29,632,848, plus strand): 5'-CTCCCCCACCACGCCGCGCGCCCCCTCTCCGAGCCCTGCTAACCCGGGGCCCTGGCTCTT[A>G]CCTCGGCGCGCGGGCCCGGCTCCCCGGCTCTCCCCGGGCCTCAAGGCCCCAGGCCCGGCC-3'